The following is an entry in ClinVar:

NM_000215.4(JAK3):c.184+1G>T

Gene: JAK3 (Janus kinase 3; minus strand). Cytogenetic location: 19p13.11.
Variant type: single nucleotide variant.
Coding change: c.184+1G>T on transcript NM_000215.4 (MANE Select); the canonical splice donor site of the intron after coding-DNA position 184, G replaced by T.
Molecular consequence: splice donor variant.
Genome position (GRCh38, 1-based): chr19:17,844,233, C>A on the plus strand (G>T on the coding strand, the complement: JAK3 is on the minus strand). VCF-style: chr19-17844233-C-A. GRCh37 (hg19) VCF-style: chr19-17955042-C-A.
Identifiers: ClinVar variation 4071528 (VCV004071528.1).

ClinVar aggregate classification (germline): Likely pathogenic (1 of 4 stars; one submission).

Conditions:
T-B+ severe combined immunodeficiency due to JAK3 deficiency. Also called: SCID, T CELL-NEGATIVE, B CELL-POSITIVE, NK CELL-NEGATIVE; SCID, autosomal recessive, T-negative/B-positive type. Identifiers: Orphanet 35078, MedGen C1833275, MONDO:0010938, OMIM 600802.

Submission:

Next Generation Genetic Polyclinic
Classification: Likely pathogenic for T-B+ severe combined immunodeficiency due to JAK3 deficiency. Last evaluated: 2025-04-07. Review status: criteria provided, single submitter. Criteria: ACMG Guidelines, 2015. Collection method: curation. Allele origin: germline. Affected: yes. Observed: 1 variant allele.
Comment: A novel splice donor variant in the JAK3 gene (c.184+1G>T) affects the canonical +1 site at the intron 1 splice donor site, likely resulting in abnormal splicing or exon skipping. The variant is not reported in population databases (PM2) and is predicted to disrupt normal gene function (PVS1), consistent with autosomal recessive severe combined immunodeficiency (SCID) when biallelic. Classified as Likely Pathogenic according to ACMG criteria: PVS1, PM2, PP3.